The following is an entry in ClinVar:

ClinVar aggregate classification (germline): Uncertain significance. Review status: criteria provided, multiple submitters, no conflicts (2 of 4 stars). 3 submissions from 3 submitters: Uncertain significance (3). Last evaluated 2025-03-20.

Conditions:
Inborn genetic diseases. Identifiers: MedGen C0950123, MeSH D030342.
3-hydroxy-3-methylglutaryl-CoA synthase deficiency (HMGCS2D). Also called: HMG-CoA synthase-2 deficiency; MITOCHONDRIAL HMG-CoA SYNTHASE DEFICIENCY; HMGCS2 DEFICIENCY. Identifiers: Orphanet 35701, MedGen C2751532, MONDO:0011614, OMIM 605911.

Allele frequency attached by ClinVar (database versions not stated): gnomAD exomes 0.00006 and 0.00008; TOPMed 0.00006; gnomAD 0.00011; ExAC 0.00012.

Submissions (3):

Ambry Genetics
Classification: Uncertain significance for Inborn genetic diseases. Last evaluated: 2025-03-20. Review status: criteria provided, single submitter. Criteria: Ambry Variant Classification Scheme 2023. Collection method: clinical testing. Allele origin: germline.

Labcorp Genetics (formerly Invitae), Labcorp
Classification: Uncertain significance for 3-hydroxy-3-methylglutaryl-CoA synthase deficiency. Last evaluated: 2021-08-27. Review status: criteria provided, single submitter. Criteria: Invitae Variant Classification Sherloc (09022015). Collection method: clinical testing. Allele origin: germline.
Comment: This sequence change replaces proline with threonine at codon 120 of the HMGCS2 protein (p.Pro120Thr). The proline residue is moderately conserved and there is a small physicochemical difference between proline and threonine. This variant is present in population databases (rs758033248, ExAC 0.02%). This variant has not been reported in the literature in individuals affected with HMGCS2-related conditions. ClinVar contains an entry for this variant (Variation ID: 596883). Algorithms developed to predict the effect of missense changes on protein structure and function (SIFT, PolyPhen-2, Align-GVGD) all suggest that this variant is likely to be tolerated. In summary, the available evidence is currently insufficient to determine the role of this variant in disease. Therefore, it has been classified as a Variant of Uncertain Significance.

Eurofins Ntd Llc (ga)
Classification: Uncertain significance. Last evaluated: 2018-04-09. Review status: criteria provided, single submitter. Criteria: EGL ClinVar v180209 classification definitions. Collection method: clinical testing. Allele origin: germline. Observed: 1 variant allele, 1 heterozygote.

NM_005518.4(HMGCS2):c.358C>A (p.Pro120Thr)

Gene: HMGCS2 (3-hydroxy-3-methylglutaryl-CoA synthase 2; minus strand). Cytogenetic location: 1p12.
Variant type: single nucleotide variant.
Coding change: c.358C>A on transcript NM_005518.4 (MANE Select); coding-DNA position 358, C replaced by A.
Protein change: p.Pro120Thr; replaces proline 120 with threonine.
Molecular consequence: missense variant.
Genome position (GRCh38, 1-based): chr1:119,764,373, G>T on the plus strand (C>A on the coding strand, the complement: HMGCS2 is on the minus strand). VCF-style: chr1-119764373-G-T. GRCh37 (hg19) VCF-style: chr1-120306996-G-T.
Other names: c.358C>A, p.Pro120Thr (NM_001166107.1); short protein forms P120T.
Identifiers: ClinVar variation 596883 (VCV000596883.13), dbSNP rs758033248, ClinGen allele CA1037904.
Genomic context (GRCh38, chr1:119,764,373, plus strand): 5'-CTTTGGACTTGTCAATGATGGTCTCAGTGCCTACTTCCAGCCTGCCCACAGAGTCCCATG[G>T]GAGCTGTATGCGCTCCATCAGCCGTTGCACCACCGTCAGGCACAGGGAGTTGATGTCCTC-3'
Protein context (NP_005509.1, residues 110-130): VQRLMERIQL[Pro120Thr]WDSVGRLEVG